The following is an entry in ClinVar:

ClinVar aggregate classification (germline): Likely pathogenic. Review status: criteria provided, multiple submitters, no conflicts (2 of 4 stars). 2 submissions from 2 submitters: Likely pathogenic (2). Last evaluated 2024-03-25.

Conditions:
Autosomal recessive hypophosphatemic bone disease (HHRH). Also called: HYPERCALCIURIC RICKETS; Hypophosphatemic rickets with hypercalciuria. Identifiers: Orphanet 157215, MedGen C1853271, MONDO:0009431, OMIM 241530.

Submissions (2):

Fulgent Genetics
Classification: Likely pathogenic for Autosomal recessive hypophosphatemic bone disease. Last evaluated: 2024-03-25. Review status: criteria provided, single submitter. Criteria: ACMG Guidelines, 2015. Collection method: clinical testing. Allele origin: germline.

Women's Health and Genetics/Laboratory Corporation of America, LabCorp
Classification: Likely pathogenic for Hereditary Hypophosphatemic Rickets With Hypercalciuria. Last evaluated: 2024-03-21. Review status: criteria provided, single submitter. Criteria: LabCorp Variant Classification Summary - May 2015. Collection method: clinical testing. Allele origin: germline.
Comment: Variant summary: SLC34A3 c.176-1G>A is located in a canonical splice-site and is predicted to affect mRNA splicing resulting in a significantly altered protein due to either exon skipping, shortening, or inclusion of intronic material. Several computational tools predict a significant impact on normal splicing: Four predict the variant abolishes a 3' acceptor site. Three predict the variant creates a 3' acceptor site. However, these predictions have yet to be confirmed by functional studies. The variant was absent in 241896 control chromosomes. To our knowledge, no occurrence of c.176-1G>A in individuals affected with Hereditary Hypophosphatemic Rickets With Hypercalciuria and no experimental evidence demonstrating its impact on protein function have been reported. No submitters have cited clinical-significance assessments for this variant to ClinVar. Based on the evidence outlined above, the variant was classified as likely pathogenic.

NM_001177316.2(SLC34A3):c.176-1G>A

Gene: SLC34A3 (solute carrier family 34 member 3; plus strand). Cytogenetic location: 9q34.3.
Variant type: single nucleotide variant.
Coding change: c.176-1G>A on transcript NM_001177316.2 (MANE Select); the canonical splice acceptor site of the intron before coding-DNA position 176, G replaced by A.
Molecular consequence: splice acceptor variant.
Genome position (GRCh38, 1-based): chr9:137,232,574, G>A. VCF-style: chr9-137232574-G-A. GRCh37 (hg19) VCF-style: chr9-140127026-G-A.
Other names: c.176-1G>A (NM_080877.2, NM_001177317.2, NM_080877.3).
Identifiers: ClinVar variation 3242583 (VCV003242583.3), dbSNP rs1158991453.